The following is an entry in ClinVar:

NC_000022.11:g.40345926G>A

Gene: ADSL (adenylosuccinate lyase; plus strand). Cytogenetic location: 22q13.1.
Variant type: single nucleotide variant.
Genome position: GRCh38 VCF-style: chr22-40345926-G-A. GRCh37 (hg19) VCF-style: chr22-40741930-G-A.
Identifiers: ClinVar variation 2123247 (VCV002123247.2), dbSNP rs2518074952, ClinGen allele CA2500646422.

ClinVar aggregate classification (germline): Uncertain significance (1 of 4 stars; one submission).

Conditions:
Adenylosuccinate lyase deficiency (ADSLD). Also called: ADSL DEFICIENCY. Identifiers: Orphanet 46, MedGen C0268126, MONDO:0007068, OMIM 103050.

Submission:

Labcorp Genetics (formerly Invitae), Labcorp
Classification: Uncertain significance for Adenylosuccinate lyase deficiency. Last evaluated: 2022-04-21. Review status: criteria provided, single submitter. Criteria: Invitae Variant Classification Sherloc (09022015). Collection method: clinical testing. Allele origin: germline.
Comment: This variant occurs in a non-coding region of the ADSL gene. It does not change the encoded amino acid sequence of the ADSL protein. This variant is not present in population databases (gnomAD no frequency). This variant has not been reported in the literature in individuals affected with ADSL-related conditions. Experimental studies and prediction algorithms are not available or were not evaluated, and the functional significance of this variant is currently unknown. In summary, the available evidence is currently insufficient to determine the role of this variant in disease. Therefore, it has been classified as a Variant of Uncertain Significance.